The following is an entry in ClinVar:

NM_012463.3(ATP6V0A2):c.-378G>C

Genes: ATP6V0A2 (ATPase H+ transporting V0 subunit a2; plus strand), LOC130009117 (ATAC-STARR-seq lymphoblastoid silent region 5049; plus strand). Cytogenetic location: 12q24.31.
Variant type: single nucleotide variant.
Coding change: c.-378G>C on transcript NM_012463.3; 378 bases upstream of the start codon, G replaced by C.
Genome position (GRCh38, 1-based): chr12:123,712,188, G>C. VCF-style: chr12-123712188-G-C. GRCh37 (hg19) VCF-style: chr12-124196735-G-C.
Identifiers: ClinVar variation 676231 (VCV000676231.3), dbSNP rs7133734, ClinGen allele CA13677953.

ClinVar aggregate classification (germline): Benign (1 of 4 stars; one submission).

Allele frequency attached by ClinVar (database versions not stated): gnomAD 0.30615 and 0.30955; 1000 Genomes Project 0.21685; 1000 Genomes Project 30x 0.21830; gnomAD exomes 0.40650; TOPMed 0.29879.

Submission:

GeneDx
Classification: Benign. Last evaluated: 2018-06-19. Review status: criteria provided, single submitter. Criteria: GeneDx Variant Classification (06012015). Collection method: clinical testing. Allele origin: germline. Affected: yes.
Comment: This variant is considered likely benign or benign based on one or more of the following criteria: it is a conservative change, it occurs at a poorly conserved position in the protein, it is predicted to be benign by multiple in silico algorithms, and/or has population frequency not consistent with disease.